The following is an entry in ClinVar:

ClinVar aggregate classification (germline): Uncertain significance (1 of 4 stars; one submission).

Conditions:
Hereditary cancer-predisposing syndrome. Also called: Tumor predisposition; Hereditary Cancer Syndrome; Hereditary neoplastic syndrome; Neoplastic Syndromes, Hereditary. Identifiers: Orphanet 140162, MedGen C0027672, MeSH D009386, MONDO:0015356.

Submission:

Ambry Genetics
Classification: Uncertain significance for Hereditary cancer-predisposing syndrome. Last evaluated: 2026-02-12. Review status: criteria provided, single submitter. Criteria: Ambry Variant Classification Scheme 2023. Collection method: clinical testing. Allele origin: germline.
Comment: The c.4611G>C variant (also known as p.Q1537H), located in coding exon 29 of the ATM gene, results from a G to C substitution at nucleotide position 4611. The amino acid change results in glutamine to histidine at codon 1537, an amino acid with highly similar properties. This change occurs in the last base pair of coding exon 29, which makes it likely to have some effect on normal mRNA splicing. This nucleotide position is well conserved in available vertebrate species. This amino acid position is well conserved in available vertebrate species. The in silico prediction for this alteration is inconclusive. However, in silico splice site analysis predicts that this alteration will weaken the native splice donor site. Based on the available evidence, the clinical significance of this variant remains unclear.

NM_000051.4(ATM):c.4611G>C (p.Gln1537His)

Gene: ATM (ATM serine/threonine kinase; plus strand). Cytogenetic location: 11q22.3.
Variant type: single nucleotide variant.
Coding change: c.4611G>C on transcript NM_000051.4 (MANE Select); coding-DNA position 4611, G replaced by C.
Protein change: p.Gln1537His; replaces glutamine 1537 with histidine.
Molecular consequence: missense variant.
Genome position (GRCh38, 1-based): chr11:108,292,793, G>C. VCF-style: chr11-108292793-G-C. GRCh37 (hg19) VCF-style: chr11-108163520-G-C.
Other names: c.4611G>C, p.Gln1537His (NM_001351834.2); short protein forms Q1537H.
Identifiers: ClinVar variation 1741897 (VCV001741897.3), dbSNP rs2135802943, ClinGen allele CA382534106.
Genomic context (GRCh38, chr11:108,292,793, plus strand): 5'-TCATGTTATTGTTGGTACACTTATACCCCTTGTGTATGAGCAGGTGGAGGTTCAGAAACA[G>C]GTAATTTTCTGACTCATCTTCAAAATGGTATTTAAAATATATAAAGTATTGTTAGAAGGA-3'
Protein context (NP_000042.3, residues 1527-1547): LVYEQVEVQK[Gln1537His]VLDLLKYLVI